The following is an entry in ClinVar:

NM_016507.4(CDK12):c.1592C>T (p.Thr531Ile)

Gene: CDK12 (cyclin dependent kinase 12; plus strand). Cytogenetic location: 17q12.
Variant type: single nucleotide variant.
Coding change: c.1592C>T on transcript NM_016507.4 (MANE Select); coding-DNA position 1592, C replaced by T.
Protein change: p.Thr531Ile; replaces threonine 531 with isoleucine.
Molecular consequence: missense variant.
Genome position (GRCh38, 1-based): chr17:39,471,424, C>T. VCF-style: chr17-39471424-C-T. GRCh37 (hg19) VCF-style: chr17-37627677-C-T.
Other names: c.1592C>T, p.Thr531Ile (NM_015083.4); short protein forms T531I.
Identifiers: ClinVar variation 3830552 (VCV003830552.1).
Genomic context (GRCh38, chr17:39,471,424, plus strand): 5'-AGATTGTTACTCCAAAGGAGACAGAAACATCAGAAAAGGAGACCCCTCCACCTCTTCCCA[C>T]AATTGCTTCTCCCCCACCCCCTCTACCAACTACTACCCCTCCACCTCAGACACCCCCTTT-3'
Protein context (NP_057591.2, residues 521-541): SEKETPPPLP[Thr531Ile]IASPPPPLPT

ClinVar aggregate classification (germline): Uncertain significance (1 of 4 stars; one submission).

gnomAD v4.1: 2 of 1,613,706 alleles (0.00012%); highest among the groups gnomAD compares: African/African-American, 0.0027%; no homozygotes.

Submission:

Ambry Genetics
Classification: Uncertain significance. Last evaluated: 2025-01-23. Review status: criteria provided, single submitter. Criteria: Ambry Variant Classification Scheme 2023. Collection method: clinical testing. Allele origin: germline.
Comment: The p.T531I variant (also known as c.1592C>T), located in coding exon 2 of the CDK12 gene, results from a C to T substitution at nucleotide position 1592. The threonine at codon 531 is replaced by isoleucine, an amino acid with similar properties. This amino acid position is conserved. In addition, this alteration is predicted to be tolerated by in silico analysis. Based on the available evidence, the clinical significance of this variant remains unclear.